The following is an entry in ClinVar:

NM_004974.4(KCNA2):c.1210T>A (p.Leu404Ile)

Gene: KCNA2 (potassium voltage-gated channel subfamily A member 2; minus strand). Cytogenetic location: 1p13.3.
Variant type: single nucleotide variant.
Coding change: c.1210T>A on transcript NM_004974.4 (MANE Select); coding-DNA position 1210, T replaced by A.
Protein change: p.Leu404Ile; replaces leucine 404 with isoleucine.
Molecular consequence: missense variant. On other transcripts: intron variant (1).
Genome position (GRCh38, 1-based): chr1:110,603,573, A>T on the plus strand (T>A on the coding strand, the complement: KCNA2 is on the minus strand). VCF-style: chr1-110603573-A-T. GRCh37 (hg19) VCF-style: chr1-111146195-A-T.
Other names: c.894+316T>A (NM_001204269.2); short protein forms L404I.
Identifiers: ClinVar variation 1068304 (VCV001068304.11), dbSNP rs2101396443, ClinGen allele CA341601321.

ClinVar aggregate classification (germline): Likely pathogenic (1 of 4 stars; one submission).

Conditions:
Developmental and epileptic encephalopathy, 32 (DEE32). Also called: Epileptic encephalopathy, early infantile, 32. Identifiers: Orphanet 442835, MedGen C4225350, MONDO:0014607, OMIM 616366.

Submission:

Labcorp Genetics (formerly Invitae), Labcorp
Classification: Likely pathogenic for Developmental and epileptic encephalopathy, 32. Last evaluated: 2020-02-24. Review status: criteria provided, single submitter. Criteria: Invitae Variant Classification Sherloc (09022015). Collection method: clinical testing. Allele origin: germline.
Comment: In summary, the currently available evidence indicates that the variant is pathogenic, but additional data are needed to prove that conclusively. Therefore, this variant has been classified as Likely Pathogenic. Algorithms developed to predict the effect of missense changes on protein structure and function are either unavailable or do not agree on the potential impact of this missense change (SIFT: "Deleterious"; PolyPhen-2: "Probably Damaging"; Align-GVGD: "Class C0"). This variant has been observed in individual(s) with clinical features of early infantile epileptic encephalopathy (Invitae). In at least one individual the variant was observed to be de novo. This variant is not present in population databases (ExAC no frequency). This sequence change replaces leucine with isoleucine at codon 404 of the KCNA2 protein (p.Leu404Ile). The leucine residue is highly conserved and there is a small physicochemical difference between leucine and isoleucine.